The following is an entry in ClinVar:

NM_001134831.2(AHI1):c.329dup (p.Asn110fs)

Gene: AHI1 (Abelson helper integration site 1; minus strand). Cytogenetic location: 6q23.3.
Variant type: Duplication.
Coding change: c.329dup on transcript NM_001134831.2 (MANE Select); coding-DNA position 329, one base duplicated (A; older notation c.329dupA).
Protein change: p.Asn110fs; shifts the reading frame from asparagine 110.
Molecular consequence: frameshift variant.
Genome position (GRCh38, 1-based): chr6:135,466,234, T duplicated on the plus strand (A on the coding strand, the reverse complement: AHI1 is on the minus strand); the first of 4 consecutive T bases (chr6:135,466,234-135,466,237); duplicating any one gives the same sequence. VCF-style (leftmost placement, unchanged base first): chr6-135466233-A-AT. GRCh37 (hg19) VCF-style: chr6-135787371-A-AT.
Other names: c.329dup, p.Asn110fs (NM_001134830.2, NM_001134832.2, NM_001350503.2 and 2 more transcripts); short protein forms N110fs.
Identifiers: ClinVar variation 2846543 (VCV002846543.3), dbSNP rs1790735071, ClinGen allele CA1665913221.

ClinVar aggregate classification (germline): Pathogenic (1 of 4 stars; one submission).

Conditions:
Joubert syndrome. Also called: CEREBELLOPARENCHYMAL DISORDER IV; JOUBERT-BOLTSHAUSER SYNDROME; Familial aplasia of the vermis. Identifiers: Orphanet 475, MedGen C5979921, MONDO:0018772.

Submission:

Labcorp Genetics (formerly Invitae), Labcorp
Classification: Pathogenic for Joubert syndrome. Last evaluated: 2023-03-17. Review status: criteria provided, single submitter. Criteria: Invitae Variant Classification Sherloc (09022015). Collection method: clinical testing. Allele origin: germline.
Comment: For these reasons, this variant has been classified as Pathogenic. This variant has not been reported in the literature in individuals affected with AHI1-related conditions. This variant is not present in population databases (gnomAD no frequency). This sequence change creates a premature translational stop signal (p.Asn110Lysfs*3) in the AHI1 gene. It is expected to result in an absent or disrupted protein product. Loss-of-function variants in AHI1 are known to be pathogenic (PMID: 15322546, 16453322, 28442542, 29186038).

Literature cited by the submitters: PubMed 15322546; PubMed 16453322; PubMed 28442542; PubMed 29186038.